The following is an entry in ClinVar:

NM_001690.4(ATP6V1A):c.1495G>T (p.Ala499Ser)

Gene: ATP6V1A (ATPase H+ transporting V1 subunit A; plus strand). Cytogenetic location: 3q13.31.
Variant type: single nucleotide variant.
Coding change: c.1495G>T on transcript NM_001690.4 (MANE Select); coding-DNA position 1495, G replaced by T.
Protein change: p.Ala499Ser; replaces alanine 499 with serine.
Molecular consequence: missense variant.
Genome position (GRCh38, 1-based): chr3:113,803,583, G>T. VCF-style: chr3-113803583-G-T. GRCh37 (hg19) VCF-style: chr3-113522430-G-T.
Other names: NC_000003.11:g.113522430G>T; short protein forms A499S.
Identifiers: ClinVar variation 4519197 (VCV004519197.2).

ClinVar aggregate classification (germline): Uncertain significance (1 of 4 stars; one submission).

Submissions (2):

Labcorp Genetics (formerly Invitae), Labcorp
Classification: Uncertain significance. Last evaluated: 2025-11-19. Review status: criteria provided, single submitter. Criteria: Invitae Variant Classification Sherloc (09022015). Collection method: clinical testing. Allele origin: germline.
Comment: This sequence change replaces alanine, which is neutral and non-polar, with serine, which is neutral and polar, at codon 499 of the ATP6V1A protein (p.Ala499Ser). This variant is present in population databases (rs748488521, gnomAD 0.007%). This variant has not been reported in the literature in individuals affected with ATP6V1A-related conditions. An algorithm developed to predict the effect of missense changes on protein structure and function (PolyPhen-2) suggests that this variant is likely to be tolerated. In summary, the available evidence is currently insufficient to determine the role of this variant in disease. Therefore, it has been classified as a Variant of Uncertain Significance.

Dr. Peter K. Rogan Lab, Western University
No classification provided (evidence only). Condition: Familial cancer of breast. Review status: no classification provided. Collection method: in vitro. Allele origin: not applicable. Functional consequence: retained intron. Not counted in ClinVar's aggregate classification.